The following is an entry in ClinVar:

ClinVar aggregate classification (germline): Uncertain significance (1 of 4 stars; one submission).

Submission:

Labcorp Genetics (formerly Invitae), Labcorp
Classification: Uncertain significance. Last evaluated: 2025-08-08. Review status: criteria provided, single submitter. Criteria: Invitae Variant Classification Sherloc (09022015). Collection method: clinical testing. Allele origin: germline.
Comment: This sequence change replaces valine, which is neutral and non-polar, with isoleucine, which is neutral and non-polar, at codon 200 of the TGFB1 protein (p.Val200Ile). This variant is not present in population databases (gnomAD no frequency). This variant has not been reported in the literature in individuals affected with TGFB1-related conditions. Invitae Evidence Modeling of protein sequence and biophysical properties (such as structural, functional, and spatial information, amino acid conservation, physicochemical variation, residue mobility, and thermodynamic stability) indicates that this missense variant is not expected to disrupt TGFB1 protein function with a negative predictive value of 80%. In summary, the available evidence is currently insufficient to determine the role of this variant in disease. Therefore, it has been classified as a Variant of Uncertain Significance.

NM_000660.7(TGFB1):c.598G>A (p.Val200Ile)

Gene: TGFB1 (transforming growth factor beta 1; minus strand). Cytogenetic location: 19q13.2.
Variant type: single nucleotide variant.
Coding change: c.598G>A on transcript NM_000660.7 (MANE Select); coding-DNA position 598, G replaced by A.
Protein change: p.Val200Ile; replaces valine 200 with isoleucine.
Molecular consequence: missense variant.
Genome position (GRCh38, 1-based): chr19:41,344,783, C>T on the plus strand (G>A on the coding strand, the complement: TGFB1 is on the minus strand). VCF-style: chr19-41344783-C-T. GRCh37 (hg19) VCF-style: chr19-41850688-C-T.
Other names: short protein forms V200I.
Identifiers: ClinVar variation 4740494 (VCV004740494.1).